The following is an entry in ClinVar:

ClinVar aggregate classification (germline): Uncertain significance (1 of 4 stars; one submission).

Conditions:
Cardiovascular phenotype. Identifiers: MedGen CN230736.

Submission:

Ambry Genetics
Classification: Uncertain significance for Cardiovascular phenotype. Last evaluated: 2026-07-14. Review status: criteria provided, single submitter. Criteria: Ambry Variant Classification Scheme 2023. Collection method: clinical testing. Allele origin: germline.
Comment: The p.S4051F variant (also known as c.12152C>T), located in coding exon 20 of the ALMS1 gene, results from a C to T substitution at nucleotide position 12152. The serine at codon 4051 is replaced by phenylalanine, an amino acid with highly dissimilar properties. This amino acid position is well conserved in available vertebrate species. In addition, the in silico prediction for this alteration is inconclusive. Based on the available evidence, the clinical significance of this variant remains unclear.

NM_001378454.1(ALMS1):c.12149C>T (p.Ser4050Phe)

Genes: ALMS1 (ALMS1 centrosome and basal body associated protein; plus strand), LOC126806252 (BRD4-independent group 4 enhancer GRCh37_chr2:73828496-73829695; plus strand). Cytogenetic location: 2p13.1.
Variant type: single nucleotide variant.
Coding change: c.12149C>T on transcript NM_001378454.1 (MANE Select); coding-DNA position 12149, C replaced by T.
Protein change: p.Ser4050Phe; replaces serine 4050 with phenylalanine.
Molecular consequence: missense variant.
Genome position (GRCh38, 1-based): chr2:73,602,219, C>T. VCF-style: chr2-73602219-C-T. GRCh37 (hg19) VCF-style: chr2-73829346-C-T.
Other names: c.12152C>T, p.Ser4051Phe (NM_015120.4); short protein forms S4050F, S4051F.
Identifiers: ClinVar variation 5035929 (VCV005035929.1).